The following is an entry in ClinVar:

NM_198578.4(LRRK2):c.2121C>T (p.Tyr707=)

Gene: LRRK2 (leucine rich repeat kinase 2; plus strand). Cytogenetic location: 12q12.
Variant type: single nucleotide variant.
Coding change: c.2121C>T on transcript NM_198578.4 (MANE Select); coding-DNA position 2121, C replaced by T.
Protein change: p.Tyr707=; no amino-acid change (tyrosine 707 retained).
Molecular consequence: synonymous variant.
Genome position (GRCh38, 1-based): chr12:40,278,141, C>T. VCF-style: chr12-40278141-C-T. GRCh37 (hg19) VCF-style: chr12-40671943-C-T.
Identifiers: ClinVar variation 1786251 (VCV001786251.21), dbSNP rs201548169, ClinGen allele CA6513561.
Genomic context (GRCh38, chr12:40,278,141, plus strand): 5'-CTCTTTTTAGTTTCTAAACCTCTGTTGCAAGTGTTTTGCAAAAGTAGCTATGGATGATTA[C>T]TTAAAAAATGTGATGCTAGAGAGAGCGTGTGATCAGAATAACAGCATCATGGTTGAATGC-3'
Protein context (NP_940980.4, residues 697-717): KCFAKVAMDD[Tyr707=]LKNVMLERAC

ClinVar aggregate classification (germline): Likely benign. Review status: criteria provided, multiple submitters, no conflicts (2 of 4 stars). 3 submissions from 3 submitters: Likely benign (3). Last evaluated 2024-09-01.

Conditions:
Autosomal dominant Parkinson disease 8. Also called: LRRK2-Related Parkinson Disease; Parkinson disease 8; Parkinson disease 8, susceptibility to. Identifiers: Orphanet 411602, MedGen C1846862, MONDO:0011764, OMIM 607060.
Inborn genetic diseases. Identifiers: MedGen C0950123, MeSH D030342.

Allele frequency attached by ClinVar (database versions not stated): ExAC 0.00005; gnomAD 0.00006; TOPMed 0.00006; gnomAD exomes 0.00018.
gnomAD v4.1: 275 of 1,613,964 alleles (0.017%); highest among the groups gnomAD compares: Non-Finnish European, 0.022%; no homozygotes.

Submissions (3):

CeGaT Center for Human Genetics Tuebingen
Classification: Likely benign. Last evaluated: 2024-09-01. Review status: criteria provided, single submitter. Criteria: CeGaT Center For Human Genetics Tuebingen Variant Classification Criteria Version 2. Collection method: clinical testing. Allele origin: germline. Affected: yes. Observed: 1 variant allele.
Comment: LRRK2: BP4, BP7

Labcorp Genetics (formerly Invitae), Labcorp
Classification: Likely benign for Autosomal dominant Parkinson disease 8. Last evaluated: 2023-10-17. Review status: criteria provided, single submitter. Criteria: Invitae Variant Classification Sherloc (09022015). Collection method: clinical testing. Allele origin: germline.

Ambry Genetics
Classification: Likely benign for Inborn genetic diseases. Last evaluated: 2022-02-12. Review status: criteria provided, single submitter. Criteria: Ambry Variant Classification Scheme 2023. Collection method: clinical testing. Allele origin: germline.